The following is an entry in ClinVar:

ClinVar aggregate classification (germline): Conflicting classifications of pathogenicity. Review status: criteria provided, conflicting classifications (1 of 4 stars). 2 submissions from 2 submitters: Uncertain significance (1); Likely benign (1). Last evaluated 2025-01-06.

Allele frequency attached by ClinVar (database versions not stated): TOPMed 0.00022; gnomAD 0.00028 and 0.00030.
gnomAD v4.1: 93 of 1,590,424 alleles (0.0058%); highest among the groups gnomAD compares: Admixed American, 0.11%; no homozygotes.

Submissions (2):

Labcorp Genetics (formerly Invitae), Labcorp
Classification: Uncertain significance. Last evaluated: 2025-01-06. Review status: criteria provided, single submitter. Criteria: Invitae Variant Classification Sherloc (09022015). Collection method: clinical testing. Allele origin: germline.
Comment: This sequence change replaces glutamic acid, which is acidic and polar, with lysine, which is basic and polar, at codon 604 of the KIZ protein (p.Glu604Lys). This variant is present in population databases (rs777972968, gnomAD 0.07%). This variant has not been reported in the literature in individuals affected with KIZ-related conditions. ClinVar contains an entry for this variant (Variation ID: 1384471). Experimental studies and prediction algorithms are not available or were not evaluated, and the functional significance of this variant is currently unknown. In summary, the available evidence is currently insufficient to determine the role of this variant in disease. Therefore, it has been classified as a Variant of Uncertain Significance.

Blueprint Genetics
Classification: Likely benign. Last evaluated: 2021-06-16. Review status: criteria provided, single submitter. Criteria: ACMG Guidelines, 2015. Collection method: clinical testing. Allele origin: germline.

NM_018474.6(KIZ):c.1810G>A (p.Glu604Lys)

Gene: KIZ (kizuna centrosomal protein; plus strand). Cytogenetic location: 20p11.23.
Variant type: single nucleotide variant.
Coding change: c.1810G>A on transcript NM_018474.6 (MANE Select); coding-DNA position 1810, G replaced by A.
Protein change: p.Glu604Lys; replaces glutamic acid 604 with lysine.
Molecular consequence: missense variant.
Genome position (GRCh38, 1-based): chr20:21,232,760, G>A. VCF-style: chr20-21232760-G-A. GRCh37 (hg19) VCF-style: chr20-21213398-G-A.
Other names: c.1501G>A, p.Glu501Lys (NM_001163022.3); c.1411G>A, p.Glu471Lys (NM_001163023.3); c.1663G>A, p.Glu555Lys (NM_001276389.2); c.1756G>A, p.Glu586Lys (NM_001352434.2); c.1447G>A, p.Glu483Lys (NM_001352435.2); c.1468G>A, p.Glu490Lys (NM_001352436.2); short protein forms E471K, E555K, E483K, E604K, E501K, E586K, E490K.
Identifiers: ClinVar variation 1384471 (VCV001384471.6), dbSNP rs777972968, ClinGen allele CA9784994.